The following is an entry in ClinVar:

ClinVar aggregate classification (germline): Likely benign. Review status: criteria provided, single submitter (1 of 4 stars). 2 submissions from 2 submitters: Likely benign (1). 1 of the submissions does not count toward it. Last evaluated 2026-01-17.

Conditions:
Long QT syndrome (LQTS). Identifiers: MedGen C0023976, MeSH D008133, MONDO:0002442. Disease mechanism: loss of function. Inheritance: Various modes of inheritance.
CACNA1C-related disorder. Also called: CACNA1C-related condition; CACNA1C-related disorders. Identifiers: MedGen CN381092, MONDO:0700321.

Allele frequency attached by ClinVar (database versions not stated): gnomAD exomes 0.00001 and below 0.00001; TOPMed below 0.00001; ExAC 0.00001; gnomAD 0.00001; ESP Exome Variant Server 0.00008.
gnomAD v4.1: 7 of 1,609,848 alleles (0.00043%); highest among the groups gnomAD compares: Middle Eastern, 0.033%; no homozygotes.

Submissions (2):

Labcorp Genetics (formerly Invitae), Labcorp
Classification: Likely benign for Long QT syndrome. Last evaluated: 2026-01-17. Review status: criteria provided, single submitter. Criteria: Invitae Variant Classification Sherloc (09022015). Collection method: clinical testing. Allele origin: germline.

PreventionGenetics, part of Exact Sciences
Classification: Likely benign for CACNA1C-related condition. Last evaluated: 2021-11-17. Review status: no assertion criteria provided. Collection method: clinical testing. Allele origin: germline. Not counted in ClinVar's aggregate classification.
Comment: This variant is classified as likely benign based on ACMG/AMP sequence variant interpretation guidelines (Richards et al. 2015 PMID: 25741868, with internal and published modifications).

NM_000719.7(CACNA1C):c.3459C>T (p.Ile1153=)

Gene: CACNA1C (calcium voltage-gated channel subunit alpha1 C; plus strand). Cytogenetic location: 12p13.33.
Variant type: single nucleotide variant.
Coding change: c.3459C>T on transcript NM_000719.7 (MANE Select); coding-DNA position 3459, C replaced by T.
Protein change: p.Ile1153=; no amino-acid change (isoleucine 1153 retained).
Molecular consequence: synonymous variant.
Genome position (GRCh38, 1-based): chr12:2,608,613, C>T. VCF-style: chr12-2608613-C-T. GRCh37 (hg19) VCF-style: chr12-2717779-C-T.
Other names: c.3519C>T, p.Ile1173= (NM_001129827.2, NM_001129832.2, NM_199460.4); c.3459C>T, p.Ile1153= (NM_001129829.2, NM_001129830.3, NM_001129831.2 and 15 more transcripts); c.3450C>T, p.Ile1150= (NM_001129844.2).
Identifiers: ClinVar variation 527040 (VCV000527040.11), dbSNP rs374850501, ClinGen allele CA6389238.